The following is an entry in ClinVar:

NM_000545.8(HNF1A):c.737T>C (p.Val246Ala)

Gene: HNF1A (HNF1 homeobox A; plus strand). Cytogenetic location: 12q24.31.
Variant type: single nucleotide variant.
Coding change: c.737T>C on transcript NM_000545.8 (MANE Select); coding-DNA position 737, T replaced by C.
Protein change: p.Val246Ala; replaces valine 246 with alanine.
Molecular consequence: missense variant.
Genome position (GRCh38, 1-based): chr12:120,994,187, T>C. VCF-style: chr12-120994187-T-C. GRCh37 (hg19) VCF-style: chr12-121431990-T-C.
Other names: NM_001306179.2:c.737T>C; c.737T>C, p.Val246Ala (NM_001306179.2); short protein forms V246A.
Identifiers: ClinVar variation 1327595 (VCV001327595.6), dbSNP rs2135841238, ClinGen allele CA386965866.
Genomic context (GRCh38, chr12:120,994,187, plus strand): 5'-GCCTGGCCTGGAGGCTCATGGGTGGCTATTTCTGCAGGGCGGAATGCATCCAGAGAGGGG[T>C]GTCCCCATCACAGGCACAGGGGCTGGGCTCCAACCTCGTCACGGAGGTGCGTGTCTACAA-3'
Protein context (NP_000536.6, residues 236-256): CNRAECIQRG[Val246Ala]SPSQAQGLGS

ClinVar aggregate classification (germline): Uncertain significance. Review status: reviewed by expert panel (3 of 4 stars). 2 submissions from 2 submitters: Uncertain significance (1). 1 of the submissions does not count toward it. Last evaluated 2025-10-03.

Conditions:
Monogenic diabetes. Identifiers: Orphanet 183625, MedGen C3888631, MONDO:0015967.
Maturity-onset diabetes of the young (MODY). Also called: Maturity onset diabetes mellitus in young. Identifiers: Orphanet 552, MedGen C0342276, MONDO:0018911, HP:0004904.

Submissions (2):

ClinGen Monogenic Diabetes Variant Curation Expert Panel
Classification: Uncertain significance for Monogenic diabetes. Last evaluated: 2025-10-03. Review status: reviewed by expert panel. Criteria: ClinGen Diabetes ACMG Specifications HNF1A V3.0.0. Collection method: curation. Allele origin: germline. Inheritance: Autosomal dominant inheritance.
Comment: The c.737T>C variant in the HNF1 homeobox A gene, HNF1A, causes an amino acid change of valine to alanine at codon 246 (p.(Val246Ala)) of NM_000545.8. This variant is located within a conserved region of the DNA binding domain (codons 107-174 and 201-280) of HNF1A, which is defined as critical for the protein’s function by the ClinGen MDEP (PM1_Supporting). This variant is predicted to be deleterious by computational evidence, with a REVEL score of 0.847, which is greater than the MDEP VCEP threshold of 0.70 (PP3). Another missense variant, c.736G>T (p.Val246Leu) has been interpreted as pathogenic by the ClinGen MDEP, and p.Val246Ala has a greater Grantham distance (PM5). This variant is absent from gnomAD v4.1.0 (PM2_Supporting) and was identified in two unrelated individuals with non-autoimmune and non-absolute/near-absolute insulin-deficient diabetes; however, PS4_Moderate cannot be applied because this number is below the ClinGen MDEP threshold (internal lab contributors). In one of these individuals, this variant was identified in a patient with an alternate molecular basis for disease (BP5; internal lab contributor). In summary, c.737T>C meets the criteria to be classified as a variant of uncertain significance for monogenic diabetes. ACMG/AMP criteria applied, as specified by the ClinGen MDEP (specification version 3.0.0, approved 6/30/2025): PM5, BP5, PP3, PM1_supporting, PM2_supporting).

Ambry Genetics
Classification: Uncertain significance for Maturity-onset diabetes of the young. Last evaluated: 2019-08-27. Review status: criteria provided, single submitter. Criteria: Ambry Variant Classification Scheme 2023. Collection method: clinical testing. Allele origin: germline. Not counted in ClinVar's aggregate classification.
Comment: The p.V246A variant (also known as c.737T>C), located in coding exon 4 of the HNF1A gene, results from a T to C substitution at nucleotide position 737. The valine at codon 246 is replaced by alanine, an amino acid with similar properties. This alteration has been detected once in a cohort of individuals with maturity onset diabetes of the young (MODY); however, no specific clinical information was provided (Bellann&eacute;-Chantelot C et al. Diabetes, 2008 Feb;57:503-8). This amino acid position is highly conserved in available vertebrate species. In addition, this alteration is predicted to be deleterious by in silico analysis. Since supporting evidence is limited at this time, the clinical significance of this alteration remains unclear.

Literature cited by the submitters: PubMed 18003757 (cited by Ambry Genetics).